The following is an entry in ClinVar:

ClinVar aggregate classification (germline): Uncertain significance. Review status: criteria provided, multiple submitters, no conflicts (2 of 4 stars). 5 submissions from 5 submitters: Uncertain significance (5). Last evaluated 2026-02-11.

Conditions:
BLM-related disorder. Also called: BLM-related condition.
Hereditary cancer-predisposing syndrome. Also called: Neoplastic Syndromes, Hereditary; Tumor predisposition; Hereditary Cancer Syndrome; Hereditary neoplastic syndrome. Identifiers: Orphanet 140162, MedGen C0027672, MeSH D009386, MONDO:0015356.
Bloom syndrome (BLM). Also called: Bloom-Torre-Machacek syndrome. Identifiers: Orphanet 125, MedGen C0005859, MONDO:0008876, OMIM 210900.

Submissions (5):

St. Jude Molecular Pathology, St. Jude Children's Research Hospital
Classification: Uncertain significance for Bloom syndrome. Last evaluated: 2026-02-11. Review status: criteria provided, single submitter. Criteria: St. Jude Assertion Criteria 2020. Collection method: clinical testing. Allele origin: germline.
Comment: The BLM c.2302G>A p.(Glu768Lys) missense change is absent in gnomAD v2.1.1. The in silico tool REVEL predicts a deleterious effect on protein function, but to our knowledge this prediction has not been confirmed by functional studies. To our knowledge, this variant has not been reported in individuals with Bloom syndrome. In summary, the evidence currently available is insufficient to determine the clinical significance of this variant. It has therefore been classified as of uncertain significance.

PreventionGenetics, part of Exact Sciences
Classification: Uncertain significance for BLM-related condition. Last evaluated: 2025-11-10. Review status: criteria provided, single submitter. Criteria: ACMG Guidelines, 2015. Collection method: clinical testing. Allele origin: germline.
Comment: The BLM c.2302G>A variant is predicted to result in the amino acid substitution p.Glu768Lys. To our knowledge, this variant has not been reported in the literature or in a large population database (gnomAD), indicating this variant is rare. It is classified as uncertain in ClinVar (Variation ID: 405295). At this time, the clinical significance of this variant is uncertain due to the absence of conclusive functional and genetic evidence.

Quest Diagnostics Nichols Institute San Juan Capistrano
Classification: Uncertain significance. Last evaluated: 2024-11-27. Review status: criteria provided, single submitter. Criteria: Quest Diagnostics criteria. Collection method: clinical testing. Allele origin: unknown.
Comment: The BLM c.2302G>A (p.Glu768Lys) variant has not been reported in individuals with BLM-related conditions in the published literature. It also has not been reported in large, multi-ethnic general populations (Genome Aggregation Database). Analysis of this variant using bioinformatics tools for the prediction of the effect of amino acid changes on protein structure and function yielded predictions that this variant is damaging. Based on the available information, we are unable to determine the clinical significance of this variant.

Ambry Genetics
Classification: Uncertain significance for Hereditary cancer-predisposing syndrome. Last evaluated: 2022-12-26. Review status: criteria provided, single submitter. Criteria: Ambry Variant Classification Scheme 2023. Collection method: clinical testing. Allele origin: germline.
Comment: The p.E768K variant (also known as c.2302G>A), located in coding exon 9 of the BLM gene, results from a G to A substitution at nucleotide position 2302. The glutamic acid at codon 768 is replaced by lysine, an amino acid with similar properties. This amino acid position is highly conserved in available vertebrate species. In addition, this alteration is predicted to be deleterious by in silico analysis. Since supporting evidence is limited at this time, the clinical significance of this alteration remains unclear.

Labcorp Genetics (formerly Invitae), Labcorp
Classification: Uncertain significance for Bloom syndrome. Last evaluated: 2021-06-17. Review status: criteria provided, single submitter. Criteria: Invitae Variant Classification Sherloc (09022015). Collection method: clinical testing. Allele origin: germline.
Comment: In summary, this variant is a novel missense change with uncertain impact on protein function. It has been classified as a Variant of Uncertain Significance. Algorithms developed to predict the effect of missense changes on protein structure and function do not agree on the potential impact of this missense change (SIFT: "Deleterious"; PolyPhen-2: "Probably Damaging"; Align-GVGD: "Class C0"). This variant is not present in population databases (ExAC no frequency) and has not been reported in the literature in individuals with a BLM-related disease. This sequence change replaces glutamic acid with lysine at codon 768 of the BLM protein (p.Glu768Lys). The glutamic acid residue is highly conserved and there is a small physicochemical difference between glutamic acid and lysine.

NM_000057.4(BLM):c.2302G>A (p.Glu768Lys)

Gene: BLM (BLM RecQ like helicase; plus strand). Cytogenetic location: 15q26.1.
Variant type: single nucleotide variant.
Coding change: c.2302G>A on transcript NM_000057.4 (MANE Select); coding-DNA position 2302, G replaced by A.
Protein change: p.Glu768Lys; replaces glutamic acid 768 with lysine.
Molecular consequence: missense variant.
Genome position (GRCh38, 1-based): chr15:90,767,018, G>A. VCF-style: chr15-90767018-G-A. GRCh37 (hg19) VCF-style: chr15-91310248-G-A.
Other names: c.2302G>A, p.Glu768Lys (NM_001287246.2, NM_001287247.2); c.1177G>A, p.Glu393Lys (NM_001287248.2); short protein forms E768K, E393K.
Identifiers: ClinVar variation 405295 (VCV000405295.18), dbSNP rs1060500640, ClinGen allele CA16614793.